The following is an entry in ClinVar:

NM_000179.3(MSH6):c.2050_2051dup (p.Leu684_Gly685insTer)

Gene: MSH6 (mutS homolog 6; plus strand). Cytogenetic location: 2p16.3.
Variant type: Microsatellite.
Coding change: c.2050_2051dup on transcript NM_000179.3 (MANE Select); coding-DNA positions 2050 to 2051, 2 bases duplicated (CT; older notation c.2050_2051dupCT).
Protein change: p.Leu684_Gly685insTer.
Molecular consequence: frameshift variant.
Genome position (GRCh38, 1-based): chr2:47,800,033-47,800,034, CT duplicated; duplicating any 2 consecutive bases within chr2:47,800,031-47,800,034 gives the same sequence; the c. name uses the placement nearest the transcript's 3' end. VCF-style (leftmost placement, unchanged base first): chr2-47800030-G-GCT. GRCh37 (hg19) VCF-style: chr2-48027169-G-GCT.
Other names: c.1660_1661dup, p.Leu554_Gly555insTer (NM_001281492.2); c.1144_1145dup, p.Leu382_Gly383insTer (NM_001281493.2, NM_001281494.2).
Identifiers: ClinVar variation 89243 (VCV000089243.5), dbSNP rs587779226, ClinGen allele CA330402.

ClinVar aggregate classification (germline): Pathogenic. Review status: reviewed by expert panel (3 of 4 stars). 3 submissions from 3 submitters: Pathogenic (1). 2 of the submissions do not count toward it. Last evaluated 2013-09-05.

Conditions:
Lynch syndrome. Identifiers: Orphanet 144, MedGen C4552100, MONDO:0005835. Disease mechanism: loss of function.

Submissions (3):

International Society for Gastrointestinal Hereditary Tumours (InSiGHT)
Classification: Pathogenic for Lynch Syndrome. Last evaluated: 2013-09-05. Review status: reviewed by expert panel. Criteria: Guidelines v1.9. Collection method: research. Allele origin: germline.
Comment: Coding sequence variation resulting in a stop codon

Classified with v1.9 guidelines

Clinical Genetics DNA and cytogenetics Diagnostics Lab, Erasmus MC, Erasmus Medical Center
Classification: Pathogenic. Review status: no assertion criteria provided. Collection method: clinical testing. Allele origin: germline. Affected: yes. Study: VKGL Data-share Consensus. Not counted in ClinVar's aggregate classification.

Clinical Genetics, Academic Medical Center
Classification: Pathogenic. Review status: no assertion criteria provided. Collection method: clinical testing. Allele origin: germline. Affected: yes. Study: VKGL Data-share Consensus. Not counted in ClinVar's aggregate classification.